The following is an entry in ClinVar:

ClinVar aggregate classification (germline): Uncertain significance. Review status: criteria provided, multiple submitters, no conflicts (2 of 4 stars). 2 submissions from 2 submitters: Uncertain significance (2). Last evaluated 2025-04-21.

Conditions:
Inborn genetic diseases. Identifiers: MedGen C0950123, MeSH D030342.

gnomAD v4.1: 33 of 1,613,754 alleles (0.002%); highest among the groups gnomAD compares: African/African-American, 0.04%; no homozygotes.

Submissions (2):

Ambry Genetics
Classification: Uncertain significance for Inborn genetic diseases. Last evaluated: 2025-04-21. Review status: criteria provided, single submitter. Criteria: Ambry Variant Classification Scheme 2023. Collection method: clinical testing. Allele origin: germline.

Greenwood Genetic Center Diagnostic Laboratories, Greenwood Genetic Center
Classification: Uncertain significance. Last evaluated: 2025-01-28. Review status: criteria provided, single submitter. Criteria: ACMG Guidelines, 2015. Collection method: clinical testing. Allele origin: germline.
Comment: PM2, BP4

NM_018245.3(OGDHL):c.92G>A (p.Ser31Asn)

Gene: OGDHL (oxoglutarate dehydrogenase L; minus strand). Cytogenetic location: 10q11.23.
Variant type: single nucleotide variant.
Coding change: c.92G>A on transcript NM_018245.3 (MANE Select); coding-DNA position 92, G replaced by A.
Protein change: p.Ser31Asn; replaces serine 31 with asparagine.
Molecular consequence: missense variant. On other transcripts: 5 prime UTR variant (3), non-coding transcript variant (4), intron variant (2).
Genome position (GRCh38, 1-based): chr10:49,758,501, C>T on the plus strand (G>A on the coding strand, the complement: OGDHL is on the minus strand). VCF-style: chr10-49758501-C-T. GRCh37 (hg19) VCF-style: chr10-50966547-C-T.
Other names: c.92G>A, p.Ser31Asn (NM_001143996.2, NM_001347819.1, NM_001347820.1 and 2 more transcripts); c.-847G>A (NM_001347821.2, NM_001347825.2); c.-835G>A (NM_001347826.1); c.-253+3832G>A (NM_001347822.1); c.-253+3738G>A (NM_001143997.2); short protein forms S31N.
Identifiers: ClinVar variation 3923924 (VCV003923924.2).
Genomic context (GRCh38, chr10:49,758,501, plus strand): 5'-TAACTGGAGCCGCCTCCACCTTTGCTGCTTGGGAAGGTGGCCGGTGGCCCGGAGGACCTG[C>T]TGCGCCAGCCAAACACCGGGACGTCATGTGCAGCCAGGAGCCTCGCAGCCTGTACCCCAA-3'
Protein context (NP_060715.2, residues 21-41): AHDVPVFGWR[Ser31Asn]RSSGPPATFP